The following is an entry in ClinVar:

ClinVar aggregate classification (germline): Uncertain significance. Review status: criteria provided, multiple submitters, no conflicts (2 of 4 stars). 3 submissions from 3 submitters: Uncertain significance (3). Last evaluated 2025-09-15.

Conditions:
Primary ciliary dyskinesia. Also called: Ciliary dyskinesia. Identifiers: Orphanet 244, MedGen C0008780, MONDO:0016575, HP:0012265.
Primary ciliary dyskinesia 2. Also called: CILIARY DYSKINESIA, PRIMARY, 2, WITH OR WITHOUT SITUS INVERSUS. Identifiers: Orphanet 244, MedGen C1847554, MONDO:0011718, OMIM 606763.

Allele frequency attached by ClinVar (database versions not stated): ExAC below 0.00001; gnomAD exomes 0.00001 and 0.00006; gnomAD 0.00015 and 0.00016; TOPMed 0.00018.

Submissions (3):

Labcorp Genetics (formerly Invitae), Labcorp
Classification: Uncertain significance for Primary ciliary dyskinesia. Last evaluated: 2025-09-15. Review status: criteria provided, single submitter. Criteria: Invitae Variant Classification Sherloc (09022015). Collection method: clinical testing. Allele origin: germline.
Comment: This sequence change replaces arginine, which is basic and polar, with cysteine, which is neutral and slightly polar, at codon 225 of the DNAAF3 protein (p.Arg225Cys). The frequency data for this variant in the population databases is considered unreliable, as metrics indicate poor data quality at this position in the gnomAD database. This variant has not been reported in the literature in individuals affected with DNAAF3-related conditions. ClinVar contains an entry for this variant (Variation ID: 969929). Invitae Evidence Modeling of protein sequence and biophysical properties (such as structural, functional, and spatial information, amino acid conservation, physicochemical variation, residue mobility, and thermodynamic stability) indicates that this missense variant is not expected to disrupt DNAAF3 protein function with a negative predictive value of 80%. In summary, the available evidence is currently insufficient to determine the role of this variant in disease. Therefore, it has been classified as a Variant of Uncertain Significance.

Ambry Genetics
Classification: Uncertain significance for Primary ciliary dyskinesia. Last evaluated: 2025-05-21. Review status: criteria provided, single submitter. Criteria: Ambry Variant Classification Scheme 2023. Collection method: clinical testing. Allele origin: germline.

ARUP Laboratories, Molecular Genetics and Genomics, ARUP Laboratories
Classification: Uncertain significance for Primary ciliary dyskinesia 2. Last evaluated: 2023-08-30. Review status: criteria provided, single submitter. Criteria: ARUP Molecular Germline Variant Investigation Process 2024. Collection method: clinical testing. Allele origin: germline.
Comment: The DNAAF3 c.673C>T; p.Arg225Cys variant (rs369116839), to our knowledge, is not reported in the medical literature but is reported in ClinVar (Variation ID: 969929). This variant is found in the African/African-American population with an allele frequency of 0.05% (5/9,800 alleles) in the Genome Aggregation Database. Computational analyses are uncertain whether this variant is neutral or deleterious (REVEL: 0.213). Due to limited information, the clinical significance of this variant is uncertain at this time.

NM_001256715.2(DNAAF3):c.469C>T (p.Arg157Cys)

Genes: DNAAF3 (dynein axonemal assembly factor 3; minus strand), DNAAF3-AS1 (DNAAF3 antisense RNA 1; plus strand). Cytogenetic location: 19q13.42.
Variant type: single nucleotide variant.
Coding change: c.469C>T on transcript NM_001256715.2 (MANE Select); coding-DNA position 469, C replaced by T.
Protein change: p.Arg157Cys; replaces arginine 157 with cysteine.
Molecular consequence: missense variant.
Genome position (GRCh38, 1-based): chr19:55,162,144, G>A on the plus strand (C>T on the coding strand, the complement: DNAAF3 is on the minus strand). VCF-style: chr19-55162144-G-A. GRCh37 (hg19) VCF-style: chr19-55673512-G-A.
Other names: c.307C>T, p.Arg103Cys (NM_001256716.2); c.610C>T, p.Arg204Cys (NM_178837.4); c.673C>T, p.Arg225Cys (NM_001256714.1); short protein forms R204C, R103C, R157C, R225C.
Identifiers: ClinVar variation 969929 (VCV000969929.11), dbSNP rs369116839, ClinGen allele CA9668149.